The following is an entry in ClinVar:

ClinVar aggregate classification (germline): Uncertain significance. Review status: criteria provided, multiple submitters, no conflicts (2 of 4 stars). 2 submissions from 2 submitters: Uncertain significance (2). Last evaluated 2025-12-04.

Allele frequency attached by ClinVar (database versions not stated): ExAC 0.00003; TOPMed 0.00003; gnomAD 0.00004; 1000 Genomes Project 0.00040; 1000 Genomes Project 30x 0.00047.

Submissions (2):

Ambry Genetics
Classification: Uncertain significance. Last evaluated: 2025-12-04. Review status: criteria provided, single submitter. Criteria: Ambry Variant Classification Scheme 2023. Collection method: clinical testing. Allele origin: germline.

Labcorp Genetics (formerly Invitae), Labcorp
Classification: Uncertain significance. Last evaluated: 2024-02-20. Review status: criteria provided, single submitter. Criteria: Invitae Variant Classification Sherloc (09022015). Collection method: clinical testing. Allele origin: germline.
Comment: This sequence change replaces glutamic acid, which is acidic and polar, with valine, which is neutral and non-polar, at codon 197 of the PSMB4 protein (p.Glu197Val). This variant is present in population databases (rs570825621, gnomAD 0.006%). This variant has not been reported in the literature in individuals affected with PSMB4-related conditions. ClinVar contains an entry for this variant (Variation ID: 1349517). An algorithm developed to predict the effect of missense changes on protein structure and function (PolyPhen-2) suggests that this variant is likely to be tolerated. In summary, the available evidence is currently insufficient to determine the role of this variant in disease. Therefore, it has been classified as a Variant of Uncertain Significance.

NM_002796.3(PSMB4):c.590A>T (p.Glu197Val)

Gene: PSMB4 (proteasome 20S subunit beta 4; plus strand). Cytogenetic location: 1q21.3.
Variant type: single nucleotide variant.
Coding change: c.590A>T on transcript NM_002796.3 (MANE Select); coding-DNA position 590, A replaced by T.
Protein change: p.Glu197Val; replaces glutamic acid 197 with valine.
Molecular consequence: missense variant.
Genome position (GRCh38, 1-based): chr1:151,401,252, A>T. VCF-style: chr1-151401252-A-T. GRCh37 (hg19) VCF-style: chr1-151373728-A-T.
Other names: c.590A>T (NM_002796.2); short protein forms E197V.
Identifiers: ClinVar variation 1349517 (VCV001349517.7), dbSNP rs570825621, ClinGen allele CA1090724.